The following is an entry in ClinVar:

ClinVar aggregate classification (germline): Uncertain significance (1 of 4 stars; one submission).

Submission:

GeneDx
Classification: Uncertain significance. Last evaluated: 2019-03-21. Review status: criteria provided, single submitter. Criteria: GeneDx Variant Classification Process June 2021. Collection method: clinical testing. Allele origin: germline. Affected: yes.
Comment: Not observed in large population cohorts (Lek et al., 2016); The majority of missense variants in this gene are considered pathogenic; In silico analysis, which includes protein predictors and evolutionary conservation, supports a deleterious effect; Has not been previously published as pathogenic or benign to our knowledge

NM_001003800.2(BICD2):c.1934T>A (p.Val645Glu)

Gene: BICD2 (BICD cargo adaptor 2; minus strand). Cytogenetic location: 9q22.31.
Variant type: single nucleotide variant.
Coding change: c.1934T>A on transcript NM_001003800.2 (MANE Select); coding-DNA position 1934, T replaced by A.
Protein change: p.Val645Glu; replaces valine 645 with glutamic acid.
Molecular consequence: missense variant.
Genome position (GRCh38, 1-based): chr9:92,718,711, A>T on the plus strand (T>A on the coding strand, the complement: BICD2 is on the minus strand). VCF-style: chr9-92718711-A-T. GRCh37 (hg19) VCF-style: chr9-95480993-A-T.
Other names: c.1934T>A, p.Val645Glu (NM_015250.4); short protein forms V645E.
Identifiers: ClinVar variation 1307979 (VCV001307979.2), dbSNP rs2131499781, ClinGen allele CA374034832.